The following is an entry in ClinVar:

NM_001128148.3(TFRC):c.758C>G (p.Ser253Cys)

Gene: TFRC (transferrin receptor; minus strand). Cytogenetic location: 3q29.
Variant type: single nucleotide variant.
Coding change: c.758C>G on transcript NM_001128148.3 (MANE Select); coding-DNA position 758, C replaced by G.
Protein change: p.Ser253Cys; replaces serine 253 with cysteine.
Molecular consequence: missense variant. On other transcripts: 5 prime UTR variant (1).
Genome position (GRCh38, 1-based): chr3:196,069,498, G>C on the plus strand (C>G on the coding strand, the complement: TFRC is on the minus strand). VCF-style: chr3-196069498-G-C. GRCh37 (hg19) VCF-style: chr3-195796369-G-C.
Other names: c.515C>G, p.Ser172Cys (NM_001313965.2); c.-89C>G (NM_001313966.2); c.758C>G, p.Ser253Cys (NM_003234.4); short protein forms S172C, S253C.
Identifiers: ClinVar variation 2751775 (VCV002751775.3), dbSNP rs1718011071, ClinGen allele CA355574450.

ClinVar aggregate classification (germline): Uncertain significance (1 of 4 stars; one submission).

Submission:

Labcorp Genetics (formerly Invitae), Labcorp
Classification: Uncertain significance. Last evaluated: 2023-05-30. Review status: criteria provided, single submitter. Criteria: Invitae Variant Classification Sherloc (09022015). Collection method: clinical testing. Allele origin: germline.
Comment: In summary, the available evidence is currently insufficient to determine the role of this variant in disease. Therefore, it has been classified as a Variant of Uncertain Significance. Advanced modeling of protein sequence and biophysical properties (such as structural, functional, and spatial information, amino acid conservation, physicochemical variation, residue mobility, and thermodynamic stability) performed at Invitae indicates that this missense variant is not expected to disrupt TFRC protein function. This variant has not been reported in the literature in individuals affected with TFRC-related conditions. This variant is not present in population databases (gnomAD no frequency). This sequence change replaces serine, which is neutral and polar, with cysteine, which is neutral and slightly polar, at codon 253 of the TFRC protein (p.Ser253Cys).